The following is an entry in ClinVar:

ClinVar aggregate classification (germline): Likely pathogenic. Review status: reviewed by expert panel (3 of 4 stars). 3 submissions from 3 submitters: Likely pathogenic (1). 2 of the submissions do not count toward it. Last evaluated 2025-01-08.

Conditions:
Autosomal recessive limb-girdle muscular dystrophy. Identifiers: Orphanet 102015, MedGen C2931907, MONDO:0015152.
Autosomal recessive limb-girdle muscular dystrophy type 2E (LGMDR4). Also called: MUSCULAR DYSTROPHY, LIMB-GIRDLE, AUTOSOMAL RECESSIVE 4. Identifiers: Orphanet 119, MedGen C1858593, MONDO:0011423, OMIM 604286. Disease mechanism: Affects gamma-sarcoglycan and also disrupts the integrity of the entire sarcoglycan complex..

Submissions (3):

ClinGen Limb Girdle Muscular Dystrophy Variant Curation Expert Panel, ClinGen
Classification: Likely pathogenic for Autosomal recessive limb-girdle muscular dystrophy. Last evaluated: 2025-01-08. Review status: reviewed by expert panel. Criteria: ClinGen LGMD VCEP ACMG Specifications SGCB V1.0.0. Collection method: curation. Allele origin: germline. Inheritance: Autosomal recessive inheritance.
Comment: The NM_000232.5: c.699_702del p.(Phe233LeufsTer16) variant in SGCB is a frameshift variant that may cause loss of function of the protein; the resulting transcript is predicted to escape nonsense mediated decay but remove >10% of the protein (PVS1_Strong). This variant has been detected in at least two unrelated individuals with autosomal recessive limb girdle muscular dystrophy, including confirmed in trans with a likely pathogenic or pathogenic variant (c.377_384dup, 1 pt, PMID: 25862795) and in a homozygous state (0.25 pts, PMID: 25862795) (PM3). At least one patient with this variant and a second SGCB variant displayed progressive limb girdle muscle weakness as well as absent expression of beta-sarcoglycan protein, which is highly specific for SGCB-related LGMD; however, the presence of potentially diagnostic variants in all of the other sarcoglycan genes was not ruled out (PP4; PMID: 12868499, 25862795, 9032047). The variant has also been reported to segregate with autosomal recessive limb girdle muscular dystrophy in one affected family member (PP1; PMID: 25862795) and is absent from gnomAD v2.1.1 and v3.1.2 (PM2_Supporting). In summary, this variant meets the criteria to be classified as Likely Pathogenic for autosomal recessive limb girdle muscular dystrophy based on the ACMG/AMP criteria applied, as specified by the ClinGen LGMD VCEP (LGMD VCEP specifications version 1.0.0; 01/08/2025): PVS1_Strong, PM3, PP4, PP1, PM2_Supporting.

Revvity Omics, Revvity
Classification: Pathogenic for Autosomal recessive limb-girdle muscular dystrophy type 2E. Last evaluated: 2024-05-29. Review status: criteria provided, single submitter. Criteria: ACMG Guidelines, 2015. Collection method: clinical testing. Allele origin: germline. Not counted in ClinVar's aggregate classification.

Counsyl
Classification: Likely pathogenic for Autosomal recessive limb-girdle muscular dystrophy type 2E. Last evaluated: 2016-02-18. Review status: no assertion criteria provided. Collection method: clinical testing. Allele origin: unknown. Not counted in ClinVar's aggregate classification.

Literature cited by the submitters: PubMed 25862795 (cited by Counsyl); PubMed 12868499 (cited by Counsyl); PubMed 9032047 (cited by Counsyl).

NM_000232.5(SGCB):c.699_702del (p.Phe233fs)

Gene: SGCB (sarcoglycan beta; minus strand). Cytogenetic location: 4q12.
Variant type: Deletion.
Coding change: c.699_702del on transcript NM_000232.5 (MANE Select); coding-DNA positions 699 to 702, 4 bases deleted (CATT; older notation c.699_702delCATT).
Protein change: p.Phe233fs; shifts the reading frame from phenylalanine 233.
Molecular consequence: frameshift variant.
Genome position (GRCh38, 1-based): chr4:52,028,019-52,028,022, AATG deleted on the plus strand (CATT on the coding strand, the reverse complement: SGCB is on the minus strand); deleting any 4 consecutive bases within chr4:52,028,019-52,028,025 gives the same sequence; the c. name uses the placement nearest the transcript's 3' end. VCF-style (leftmost placement, unchanged base first): chr4-52028018-TAATG-T. GRCh37 (hg19) VCF-style: chr4-52894184-TAATG-T.
Other names: NM_000232.5(SGCB):c.699_702del; p.Phe233fs; c.699_702delCATT (NM_000232.4); c.699_702del (NM_000232.4); short protein forms F233fs.
Identifiers: ClinVar variation 370474 (VCV000370474.5), dbSNP rs1057516515, ClinGen allele CA16040953.
Genomic context (GRCh38, chr4:52,028,018, plus strand): 5'-GAATACTCACCGCCTTTAACTCCATATTACCACCCATGTGAAATTCAATGGTTTTGCCCA[TAATG>T]AATACACCTTCATTTCCACGCACAATAGCACGCCCATCAACTTTTATATTTAAATCACTG-3'